The following is an entry in ClinVar:

ClinVar aggregate classification (germline): Uncertain significance (1 of 4 stars; one submission).

Conditions:
Inborn genetic diseases. Identifiers: MedGen C0950123, MeSH D030342.

gnomAD v4.1: 1 of 1,543,362 alleles (0.000065%); highest among the groups gnomAD compares: Admixed American, 0.0019%; no homozygotes.

Submission:

Ambry Genetics
Classification: Uncertain significance for Inborn genetic diseases. Last evaluated: 2024-12-06. Review status: criteria provided, single submitter. Criteria: Ambry Variant Classification Scheme 2023. Collection method: clinical testing. Allele origin: germline.
Comment: The p.V35L variant (also known as c.103G>T), located in coding exon 1 of the SH2B3 gene, results from a G to T substitution at nucleotide position 103. The valine at codon 35 is replaced by leucine, an amino acid with highly similar properties. This amino acid position is conserved. In addition, this alteration is predicted to be tolerated by in silico analysis. Based on the available evidence, the clinical significance of this variant remains unclear.

NM_005475.3(SH2B3):c.103G>T (p.Val35Leu)

Gene: SH2B3 (SH2B adaptor protein 3; plus strand). Cytogenetic location: 12q24.12.
Variant type: single nucleotide variant.
Coding change: c.103G>T on transcript NM_005475.3 (MANE Select); coding-DNA position 103, G replaced by T.
Protein change: p.Val35Leu; replaces valine 35 with leucine.
Molecular consequence: missense variant.
Genome position (GRCh38, 1-based): chr12:111,418,248, G>T. VCF-style: chr12-111418248-G-T. GRCh37 (hg19) VCF-style: chr12-111856052-G-T.
Other names: short protein forms V35L.
Identifiers: ClinVar variation 2304250 (VCV002304250.3), dbSNP rs758024019, ClinGen allele CA386717871.
Genomic context (GRCh38, chr12:111,418,248, plus strand): 5'-CCCTCAGCCTCCCCGGCGGCGGCCCCGCGGGGCTGGAGCGAGTTCTGTGAGTTGCACGCC[G>T]TAGCGGCGGCCCGGGAGCTGGCCCGCCAGTACTGGCTGTTCGCCCGGGAGCATCCGCAGC-3'
Protein context (NP_005466.1, residues 25-45): GWSEFCELHA[Val35Leu]AAARELARQY